The following is an entry in ClinVar:

ClinVar aggregate classification (germline): Uncertain significance (1 of 4 stars; one submission).

Conditions:
Lipoic acid synthetase deficiency. Also called: HYPERGLYCINEMIA, LACTIC ACIDOSIS, AND SEIZURES. Identifiers: Orphanet 401859, MedGen C3280887, MONDO:0013762, OMIM 614462.

Allele frequency attached by ClinVar (database versions not stated): TOPMed 0.00001.
gnomAD v4.1: 1 of 1,614,124 alleles (0.000062%); highest among the groups gnomAD compares: Non-Finnish European, 0.000085%; no homozygotes.

Submission:

Labcorp Genetics (formerly Invitae), Labcorp
Classification: Uncertain significance for Lipoic acid synthetase deficiency. Last evaluated: 2022-01-13. Review status: criteria provided, single submitter. Criteria: Invitae Variant Classification Sherloc (09022015). Collection method: clinical testing. Allele origin: germline.
Comment: ClinVar contains an entry for this variant (Variation ID: 576049). This variant has not been reported in the literature in individuals affected with LIAS-related conditions. This variant is not present in population databases (gnomAD no frequency). This sequence change replaces lysine, which is basic and polar, with arginine, which is basic and polar, at codon 266 of the LIAS protein (p.Lys266Arg). Algorithms developed to predict the effect of missense changes on protein structure and function (SIFT, PolyPhen-2, Align-GVGD) all suggest that this variant is likely to be disruptive. In summary, the available evidence is currently insufficient to determine the role of this variant in disease. Therefore, it has been classified as a Variant of Uncertain Significance. Algorithms developed to predict the effect of sequence changes on RNA splicing suggest that this variant may create or strengthen a splice site.

NM_006859.4(LIAS):c.797A>G (p.Lys266Arg)

Gene: LIAS (lipoic acid synthetase; plus strand). Cytogenetic location: 4p14.
Variant type: single nucleotide variant.
Coding change: c.797A>G on transcript NM_006859.4 (MANE Select); coding-DNA position 797, A replaced by G.
Protein change: p.Lys266Arg; replaces lysine 266 with arginine.
Molecular consequence: missense variant.
Genome position (GRCh38, 1-based): chr4:39,470,078, A>G. VCF-style: chr4-39470078-A-G. GRCh37 (hg19) VCF-style: chr4-39471698-A-G.
Other names: c.668A>G, p.Lys223Arg (NM_001278590.2); c.488A>G, p.Lys163Arg (NM_001363700.2); c.797A>G, p.Lys266Arg (NM_194451.3); short protein forms K266R, K163R, K223R.
Identifiers: ClinVar variation 576049 (VCV000576049.8), dbSNP rs1560671038, ClinGen allele CA356665246.